The following is an entry in ClinVar:

ClinVar aggregate classification (germline): Uncertain significance (1 of 4 stars; one submission).

gnomAD v4.1: 80 of 1,612,902 alleles (0.005%); highest among the groups gnomAD compares: Non-Finnish European, 0.0018%; no homozygotes.

Submission:

Labcorp Genetics (formerly Invitae), Labcorp
Classification: Uncertain significance. Last evaluated: 2024-04-05. Review status: criteria provided, single submitter. Criteria: Invitae Variant Classification Sherloc (09022015). Collection method: clinical testing. Allele origin: germline.
Comment: This sequence change replaces tyrosine, which is neutral and polar, with cysteine, which is neutral and slightly polar, at codon 380 of the CRB2 protein (p.Tyr380Cys). This variant is present in population databases (rs202196753, gnomAD 0.2%). This variant has not been reported in the literature in individuals affected with CRB2-related conditions. Advanced modeling of protein sequence and biophysical properties (such as structural, functional, and spatial information, amino acid conservation, physicochemical variation, residue mobility, and thermodynamic stability) performed at Invitae indicates that this missense variant is expected to disrupt CRB2 protein function with a positive predictive value of 95%. In summary, the available evidence is currently insufficient to determine the role of this variant in disease. Therefore, it has been classified as a Variant of Uncertain Significance.

NM_173689.7(CRB2):c.1139A>G (p.Tyr380Cys)

Gene: CRB2 (crumbs cell polarity complex component 2; plus strand). Cytogenetic location: 9q33.3.
Variant type: single nucleotide variant.
Coding change: c.1139A>G on transcript NM_173689.7 (MANE Select); coding-DNA position 1139, A replaced by G.
Protein change: p.Tyr380Cys; replaces tyrosine 380 with cysteine.
Molecular consequence: missense variant. On other transcripts: non-coding transcript variant (1).
Genome position (GRCh38, 1-based): chr9:123,370,192, A>G. VCF-style: chr9-123370192-A-G. GRCh37 (hg19) VCF-style: chr9-126132471-A-G.
Other names: short protein forms Y380C.
Identifiers: ClinVar variation 3719232 (VCV003719232.2).